The following is an entry in ClinVar:

NM_001365951.3(KIF1B):c.5032T>G (p.Leu1678Val)

Gene: KIF1B (kinesin family member 1B; plus strand). Cytogenetic location: 1p36.22.
Variant type: single nucleotide variant.
Coding change: c.5032T>G on transcript NM_001365951.3 (MANE Select); coding-DNA position 5032, T replaced by G.
Protein change: p.Leu1678Val; replaces leucine 1678 with valine.
Molecular consequence: missense variant.
Genome position (GRCh38, 1-based): chr1:10,374,401, T>G. VCF-style: chr1-10374401-T-G. GRCh37 (hg19) VCF-style: chr1-10434459-T-G.
Other names: c.5032T>G, p.Leu1678Val (NM_001365952.1); c.4894T>G, p.Leu1632Val (NM_015074.3); short protein forms L1632V, L1678V.
Identifiers: ClinVar variation 3226524 (VCV003226524.1), dbSNP rs2521977963, ClinGen allele CA338329374.

ClinVar aggregate classification (germline): Uncertain significance (1 of 4 stars; one submission).

Submission:

Ambry Genetics
Classification: Uncertain significance. Last evaluated: 2024-03-09. Review status: criteria provided, single submitter. Criteria: Ambry Variant Classification Scheme 2023. Collection method: clinical testing. Allele origin: germline.
Comment: The p.L1632V variant (also known as c.4894T>G), located in coding exon 43 of the KIF1B gene, results from a T to G substitution at nucleotide position 4894. The leucine at codon 1632 is replaced by valine, an amino acid with highly similar properties. This amino acid position is conserved. In addition, this alteration is predicted to be tolerated by in silico analysis. Based on the available evidence, the clinical significance of this alteration remains unclear.